The following is an entry in ClinVar:

ClinVar aggregate classification (germline): Uncertain significance. Review status: criteria provided, multiple submitters, no conflicts (2 of 4 stars). 5 submissions from 3 submitters: Uncertain significance (5). Last evaluated 2024-08-27.

Conditions:
Amyotrophic lateral sclerosis type 1 (ALS1). Also called: AMYOTROPHIC LATERAL SCLEROSIS 1, FAMILIAL. Identifiers: Orphanet 803, MedGen C1862939, MONDO:0007103, OMIM 105400.
Perry syndrome. Also called: PARKINSONISM WITH ALVEOLAR HYPOVENTILATION AND MENTAL DEPRESSION. Identifiers: Orphanet 178509, MedGen C1868594, MONDO:0008201, OMIM 168605.
Neuronopathy, distal hereditary motor, type 7B. Also called: HMN VIIB; LOWER MOTOR NEURON DISEASE, DYNACTIN TYPE; NEURONOPATHY, DISTAL HEREDITARY MOTOR, AUTOSOMAL DOMINANT 14; NEURONOPATHY, DISTAL HEREDITARY MOTOR, HARDING TYPE VIIB; NEUROPATHY, DISTAL HEREDITARY MOTOR, HARDING TYPE VIIB; NEUROPATHY, DISTAL HEREDITARY MOTOR, WITH VOCAL CORD PARALYSIS, HARDING TYPE VIIB. Identifiers: Orphanet 139589, MedGen C1843315, MONDO:0011879, OMIM 607641.

Allele frequency attached by ClinVar (database versions not stated): ExAC 0.00001; gnomAD exomes 0.00001; TOPMed 0.00002.
gnomAD v4.1: 21 of 1,610,480 alleles (0.0013%); highest among the groups gnomAD compares: Middle Eastern, 0.067%; no homozygotes.

Submissions (5):

Labcorp Genetics (formerly Invitae), Labcorp
Classification: Uncertain significance for Amyotrophic lateral sclerosis type 1; Neuronopathy, distal hereditary motor, type 7B; Perry syndrome. Last evaluated: 2024-08-27. Review status: criteria provided, single submitter. Criteria: Invitae Variant Classification Sherloc (09022015). Collection method: clinical testing. Allele origin: germline.
Comment: This sequence change replaces alanine, which is neutral and non-polar, with valine, which is neutral and non-polar, at codon 20 of the DCTN1 protein (p.Ala20Val). The frequency data for this variant in the population databases is considered unreliable, as metrics indicate poor data quality at this position in the gnomAD database. This variant has not been reported in the literature in individuals affected with DCTN1-related conditions. ClinVar contains an entry for this variant (Variation ID: 337098). An algorithm developed to predict the effect of missense changes on protein structure and function (PolyPhen-2) suggests that this variant is likely to be tolerated. In summary, the available evidence is currently insufficient to determine the role of this variant in disease. Therefore, it has been classified as a Variant of Uncertain Significance.

Genomic Research Center, Shahid Beheshti University of Medical Sciences
Classification: Uncertain significance for Distal hereditary motor neuronopathy type 7B. Last evaluated: 2019-04-27. Review status: criteria provided, single submitter. Criteria: ACMG Guidelines, 2015. Collection method: clinical testing. Allele origin: unknown. Affected: yes.

Genomic Research Center, Shahid Beheshti University of Medical Sciences
Classification: Uncertain significance for Perry syndrome. Last evaluated: 2019-04-27. Review status: criteria provided, single submitter. Criteria: ACMG Guidelines, 2015. Collection method: clinical testing. Allele origin: unknown. Affected: yes.

Illumina Laboratory Services, Illumina
Classification: Uncertain significance for Perry syndrome. Last evaluated: 2018-01-12. Review status: criteria provided, single submitter. Criteria: ICSL Variant Classification Criteria 13 December 2019. Collection method: clinical testing. Allele origin: germline.

Illumina Laboratory Services, Illumina
Classification: Uncertain significance for Neuronopathy, distal hereditary motor, type 7B. Last evaluated: 2018-01-12. Review status: criteria provided, single submitter. Criteria: ICSL Variant Classification Criteria 13 December 2019. Collection method: clinical testing. Allele origin: germline.

NM_004082.5(DCTN1):c.59C>T (p.Ala20Val)

Gene: DCTN1 (dynactin subunit 1; minus strand). Cytogenetic location: 2p13.1.
Variant type: single nucleotide variant.
Coding change: c.59C>T on transcript NM_004082.5 (MANE Select); coding-DNA position 59, C replaced by T.
Protein change: p.Ala20Val; replaces alanine 20 with valine.
Molecular consequence: missense variant. On other transcripts: non-coding transcript variant (1).
Genome position (GRCh38, 1-based): chr2:74,378,220, G>A on the plus strand (C>T on the coding strand, the complement: DCTN1 is on the minus strand). VCF-style: chr2-74378220-G-A. GRCh37 (hg19) VCF-style: chr2-74605347-G-A.
Other names: c.59C>T, p.Ala20Val (NM_001135040.3, NM_001190837.2); c.8C>T, p.Ala3Val (NM_001190836.2, NM_001378991.1, NM_001378992.1); short protein forms A20V, A3V.
Identifiers: ClinVar variation 337098 (VCV000337098.16), dbSNP rs773420384, ClinGen allele CA1722614.